The following is an entry in ClinVar:

ClinVar aggregate classification (germline): Uncertain significance. Review status: criteria provided, multiple submitters, no conflicts (2 of 4 stars). 2 submissions from 2 submitters: Uncertain significance (2). Last evaluated 2024-02-24.

Conditions:
Bardet-biedl syndrome 21. Identifiers: MedGen C4319932, MONDO:0044308, OMIM 617406.
Retinitis pigmentosa (RP). Identifiers: Orphanet 791, MedGen C0035334, MeSH D012174, MONDO:0019200, OMIM 268000. Inheritance: Autosomal dominant, autosomal recessive and X linked inheritance.
Cone-rod dystrophy 16 (CORD16). Identifiers: MedGen C3281045, MONDO:0013786, OMIM 614500.

Allele frequency attached by ClinVar (database versions not stated): gnomAD exomes below 0.00001; ExAC 0.00001.
gnomAD v4.1: 1 of 1,608,026 alleles (0.000062%); highest among the groups gnomAD compares: Admixed American, 0.0017%; no homozygotes.

Submissions (2):

Labcorp Genetics (formerly Invitae), Labcorp
Classification: Uncertain significance. Last evaluated: 2024-02-24. Review status: criteria provided, single submitter. Criteria: Invitae Variant Classification Sherloc (09022015). Collection method: clinical testing. Allele origin: germline.
Comment: This sequence change replaces glycine, which is neutral and non-polar, with arginine, which is basic and polar, at codon 111 of the C8orf37 protein (p.Gly111Arg). This variant is present in population databases (rs757837788, gnomAD 0.003%). This variant has not been reported in the literature in individuals affected with C8orf37-related conditions. ClinVar contains an entry for this variant (Variation ID: 1681128). An algorithm developed to predict the effect of missense changes on protein structure and function (PolyPhen-2) suggests that this variant is likely to be disruptive. In summary, the available evidence is currently insufficient to determine the role of this variant in disease. Therefore, it has been classified as a Variant of Uncertain Significance.

Fulgent Genetics
Classification: Uncertain significance for Retinitis pigmentosa; Cone-rod dystrophy 16; Bardet-biedl syndrome 21. Last evaluated: 2021-08-12. Review status: criteria provided, single submitter. Criteria: ACMG Guidelines, 2015. Collection method: clinical testing. Allele origin: unknown.

NM_177965.4(CFAP418):c.331G>A (p.Gly111Arg)

Gene: CFAP418 (cilia and flagella associated protein 418; minus strand). Cytogenetic location: 8q22.1.
Variant type: single nucleotide variant.
Coding change: c.331G>A on transcript NM_177965.4 (MANE Select); coding-DNA position 331, G replaced by A.
Protein change: p.Gly111Arg; replaces glycine 111 with arginine.
Molecular consequence: missense variant.
Genome position (GRCh38, 1-based): chr8:95,259,883, C>T on the plus strand (G>A on the coding strand, the complement: CFAP418 is on the minus strand). VCF-style: chr8-95259883-C-T. GRCh37 (hg19) VCF-style: chr8-96272111-C-T.
Other names: c.331G>A, p.Gly111Arg (NM_001363260.1); short protein forms G111R.
Identifiers: ClinVar variation 1681128 (VCV001681128.9), dbSNP rs757837788, ClinGen allele CA4815177.
Genomic context (GRCh38, chr8:95,259,883, plus strand): 5'-CATTTCTGACAACCTACCTCCATGAAATATTTGTTCCAATCCCACATGGAATAGAGCTTC[C>T]ACCAAGGTACACCGGACTGCAACTAGATGTGTTCAACAGATGCAAAAATATGAAGTTATA-3'
Protein context (NP_808880.1, residues 101-121): GKSCSPVYLG[Gly111Arg]SSIPCGIGTN